The following is an entry in ClinVar:

NM_022455.5(NSD1):c.5855G>A (p.Arg1952Gln)

Gene: NSD1 (nuclear receptor binding SET domain protein 1; plus strand). Cytogenetic location: 5q35.3.
Variant type: single nucleotide variant.
Coding change: c.5855G>A on transcript NM_022455.5 (MANE Select); coding-DNA position 5855, G replaced by A.
Protein change: p.Arg1952Gln; replaces arginine 1952 with glutamine.
Molecular consequence: missense variant.
Genome position (GRCh38, 1-based): chr5:177,280,797, G>A. VCF-style: chr5-177280797-G-A. GRCh37 (hg19) VCF-style: chr5-176707798-G-A.
Other names: c.4982G>A, p.Arg1661Gln (NM_001365684.2, NM_001409308.1, NM_001409309.1 and 1 more transcripts); c.5855G>A, p.Arg1952Gln (NM_001409301.1, NM_001409302.1, NM_001409303.1); c.5435G>A, p.Arg1812Gln (NM_001409304.1); c.5102G>A, p.Arg1701Gln (NM_001409305.1); c.5093G>A, p.Arg1698Gln (NM_001409306.1, NM_001409307.1); short protein forms R1683Q, R1952Q, R1698Q, R1701Q, R1661Q, R1812Q.
Identifiers: ClinVar variation 1191918 (VCV001191918.3), dbSNP rs2127257571, ClinGen allele CA362313739.

ClinVar aggregate classification (germline): Pathogenic/Likely pathogenic. Review status: criteria provided, multiple submitters, no conflicts (2 of 4 stars). 2 submissions from 2 submitters: Pathogenic (1); Likely pathogenic (1). Last evaluated 2020-07-01.

Conditions:
NSD1-related disorder. Also called: NSD1-related condition.

Allele frequency attached by ClinVar (database versions not stated): gnomAD exomes below 0.00001.
gnomAD v4.1: 3 of 1,614,214 alleles (0.00019%); highest among the groups gnomAD compares: Non-Finnish European, 0.000085%; no homozygotes.

Submissions (2):

GeneDx
Classification: Pathogenic. Last evaluated: 2020-07-01. Review status: criteria provided, single submitter. Criteria: GeneDx Variant Classification Process June 2021. Collection method: clinical testing. Allele origin: germline. Affected: yes.
Comment: Not observed in large population cohorts (Lek et al., 2016); In silico analysis supports that this missense variant has a deleterious effect on protein structure/function; Has not been previously published as pathogenic or benign to our knowledge

Blueprint Genetics
Classification: Likely pathogenic for NSD1-related disorders. Last evaluated: 2019-12-09. Review status: criteria provided, single submitter. Criteria: ACMG Guidelines, 2015. Collection method: clinical testing. Allele origin: germline. Affected: yes. Observed: 1 variant allele.